The following is an entry in ClinVar:

NM_031157.4(HNRNPA1):c.973T>C (p.Phe325Leu)

Gene: HNRNPA1 (heterogeneous nuclear ribonucleoprotein A1; plus strand). Cytogenetic location: 12q13.13.
Variant type: single nucleotide variant.
Coding change: c.973T>C on transcript NM_031157.4 (MANE Select); coding-DNA position 973, T replaced by C.
Protein change: p.Phe325Leu; replaces phenylalanine 325 with leucine.
Molecular consequence: missense variant. On other transcripts: non-coding transcript variant (1).
Genome position (GRCh38, 1-based): chr12:54,283,877, T>C. VCF-style: chr12-54283877-T-C. GRCh37 (hg19) VCF-style: chr12-54677661-T-C.
Other names: c.817T>C, p.Phe273Leu (NM_002136.4); short protein forms F325L, F273L.
Identifiers: ClinVar variation 135594 (VCV000135594.2), dbSNP rs483353028, ClinGen allele CA163041.

ClinVar aggregate classification (germline): Pathogenic (0 of 4 stars; one submission).

Conditions:
Chronic progressive multiple sclerosis. Identifiers: MedGen C0393665, MONDO:0005284.

Submission:

Demyelinating Disease Laboratories, VA Medical Center and University of Tennessee
Classification: Pathogenic. Review status: no assertion criteria provided. Collection method: not provided. Allele origin: somatic.
ClinVar note: Converted during submission from pathogenic to Pathogenic.